The following is an entry in ClinVar:

ClinVar aggregate classification (germline): Uncertain significance. Review status: criteria provided, multiple submitters, no conflicts (2 of 4 stars). 2 submissions from 2 submitters: Uncertain significance (2). Last evaluated 2025-09-25.

Conditions:
MHC class II deficiency. Also called: Bare lymphocyte syndrome 2; BLS, TYPE II. Identifiers: Orphanet 572, MedGen C5447452, MONDO:0008855.
Inborn genetic diseases. Identifiers: MedGen C0950123, MeSH D030342.

Submissions (2):

Labcorp Genetics (formerly Invitae), Labcorp
Classification: Uncertain significance for MHC class II deficiency. Last evaluated: 2025-09-25. Review status: criteria provided, single submitter. Criteria: Invitae Variant Classification Sherloc (09022015). Collection method: clinical testing. Allele origin: germline.
Comment: This sequence change replaces threonine, which is neutral and polar, with arginine, which is basic and polar, at codon 279 of the CIITA protein (p.Thr279Arg). This variant is not present in population databases (gnomAD no frequency). This variant has not been reported in the literature in individuals affected with CIITA-related conditions. ClinVar contains an entry for this variant (Variation ID: 3492927). An algorithm developed to predict the effect of missense changes on protein structure and function (PolyPhen-2) suggests that this variant is likely to be tolerated. In summary, the available evidence is currently insufficient to determine the role of this variant in disease. Therefore, it has been classified as a Variant of Uncertain Significance.

Ambry Genetics
Classification: Uncertain significance for Inborn genetic diseases. Last evaluated: 2024-06-26. Review status: criteria provided, single submitter. Criteria: Ambry Variant Classification Scheme 2023. Collection method: clinical testing. Allele origin: germline.

NM_000246.4(CIITA):c.836C>G (p.Thr279Arg)

Gene: CIITA (class II major histocompatibility complex transactivator; plus strand). Cytogenetic location: 16p13.13.
Variant type: single nucleotide variant.
Coding change: c.836C>G on transcript NM_000246.4 (MANE Select); coding-DNA position 836, C replaced by G.
Protein change: p.Thr279Arg; replaces threonine 279 with arginine.
Molecular consequence: missense variant. On other transcripts: non-coding transcript variant (1).
Genome position (GRCh38, 1-based): chr16:10,903,794, C>G. VCF-style: chr16-10903794-C-G. GRCh37 (hg19) VCF-style: chr16-10997651-C-G.
Other names: c.839C>G, p.Thr280Arg (NM_001286402.1, NM_001379332.1); c.689C>G, p.Thr230Arg (NM_001286403.2, NM_001379331.1); c.692C>G, p.Thr231Arg (NM_001379330.1); c.836C>G, p.Thr279Arg (NM_001379333.1); c.767C>G, p.Thr256Arg (NM_001379334.1); short protein forms T230R, T256R, T280R, T279R, T231R.
Identifiers: ClinVar variation 3492927 (VCV003492927.2).